The following is an entry in ClinVar:

ClinVar aggregate classification (germline): Likely pathogenic (1 of 4 stars; one submission).

Conditions:
Merosin deficient congenital muscular dystrophy (MDC1A). Also called: Congenital merosin-deficient muscular dystrophy 1A; Congenital Muscular Dystrophy Type 1A (MDC1A). Identifiers: Orphanet 258, MedGen C1263858, MONDO:0011925, OMIM 607855.

Submission:

Diagnostics Division, CENTRE FOR DNA FINGERPRINTING AND DIAGNOSTICS
Classification: Likely pathogenic for Merosin deficient congenital muscular dystrophy. Last evaluated: 2014-01-01. Review status: criteria provided, single submitter. Criteria: Submitter's publication. Collection method: research. Allele origin: unknown. Affected: yes. Observed: 1 homozygote.
Comment: Whole exon 50 deletion

NC_000006.12:g.129464290_129464452del

Gene: LAMA2 (laminin subunit alpha 2; plus strand). Cytogenetic location: 6q22.33.
Variant type: Deletion.
Genome position: GRCh38: chr6:129,464,290-129,464,452. GRCh37 (hg19): chr6:129,785,435-129,785,597.
Other names: c.6993_7155del (LRG_409t1).
Identifiers: ClinVar variation 266109 (VCV000266109.3), dbSNP rs1554301637, ClinGen allele CA10588988.